The following is an entry in ClinVar:

ClinVar aggregate classification (germline): Likely pathogenic (1 of 4 stars; one submission).

Conditions:
Nonsyndromic congenital nail disorder 8. Also called: TOENAIL DYSTROPHY, ISOLATED. Identifiers: MedGen C1843761, MONDO:0011852, OMIM 607523.
Epidermolysis bullosa pruriginosa. Also called: DEB, PRURIGINOSA; DYSTROPHIC EPIDERMOLYSIS BULLOSA PRURIGINOSA. Identifiers: Orphanet 89843, MedGen C1275114, MONDO:0011398, OMIM 604129.
Recessive dystrophic epidermolysis bullosa (RDEB). Also called: DYSTROPHIC EPIDERMOLYSIS BULLOSA, AUTOSOMAL RECESSIVE; EPIDERMOLYSIS BULLOSA DYSTROPHICA, HALLOPEAU-SIEMENS TYPE; EPIDERMOLYSIS BULLOSA DYSTROPHICA, GENERALIZED SEVERE, AUTOSOMAL RECESSIVE; epidermolysis bullosa dystrophica, autosomal recessive; Recessive DEB (RDEB); Hallopeau-Siemens Disease. Identifiers: Orphanet 79408, Orphanet 79409, MedGen C0079474, MONDO:0009179, OMIM 226600.
Dominant dystrophic epidermolysis bullosa with absence of skin. Also called: EPIDERMOLYSIS BULLOSA WITH CONGENITAL LOCALIZED ABSENCE OF SKIN AND DEFORMITY OF NAILS; EPIDERMOLYSIS BULLOSA DYSTROPHICA, BART TYPE. Identifiers: MedGen C0268371, MONDO:0007557, OMIM 132000.
Pretibial dystrophic epidermolysis bullosa. Also called: EPIDERMOLYSIS BULLOSA DYSTROPHICA, PRETIBIAL; Pretibial epidermolysis bullosa; Pretibial blistering. Identifiers: Orphanet 79410, MedGen C0432321, MONDO:0007552, OMIM 131850, HP:0012221.
Transient bullous dermolysis of the newborn (TBDN). Also called: DYSTROPHIC EPIDERMOLYSIS BULLOSA, NEONATAL; EPIDERMOLYSIS BULLOSA DYSTROPHICA, NEONATAL FORM. Identifiers: Orphanet 79411, MedGen C1851573, MONDO:0007548, OMIM 131705.
Generalized dominant dystrophic epidermolysis bullosa (DDEB). Also called: Dominant DEB (DDEB); DDEB, generalized; DDEB-gen; DYSTROPHIC EPIDERMOLYSIS BULLOSA, AUTOSOMAL DOMINANT; Epidermolysis bullosa dystrophica, autosomal dominant. Identifiers: Orphanet 231568, MedGen C0432322, MONDO:0007549, OMIM 131750.

Submission:

Juno Genomics, Hangzhou Juno Genomics, Inc
Classification: Likely pathogenic for Recessive dystrophic epidermolysis bullosa; Generalized dominant dystrophic epidermolysis bullosa; Dominant dystrophic epidermolysis bullosa with absence of skin; Nonsyndromic congenital nail disorder 8; Epidermolysis bullosa pruriginosa; Pretibial dystrophic epidermolysis bullosa; Transient bullous dermolysis of the newborn. Review status: criteria provided, single submitter. Criteria: ACMG Guidelines, 2015. Collection method: clinical testing. Allele origin: germline. Affected: yes.
Comment: Absent from controls (or at extremely low frequency if recessive) in Genome Aggregation Database, Exome Sequencing Project, 1000 Genomes Project, or Exome Aggregation Consortium.;Null variant in a gene where loss of function (LOF) is a known mechanism of disease.

NM_000094.4(COL7A1):c.928delinsAA (p.Leu310fs)

Gene: COL7A1 (collagen type VII alpha 1 chain; minus strand). Cytogenetic location: 3p21.31.
Variant type: Indel.
Coding change: c.928delinsAA on transcript NM_000094.4 (MANE Select); coding-DNA position 928, C replaced by AA.
Protein change: p.Leu310fs; shifts the reading frame from leucine 310.
Molecular consequence: frameshift variant.
Genome position (GRCh38, 1-based): chr3:48,592,618, G replaced by TT on the plus strand (C replaced by AA on the coding strand, the reverse complement: COL7A1 is on the minus strand). VCF-style: chr3-48592618-G-TT. GRCh37 (hg19) VCF-style: chr3-48630051-G-TT.
Other names: short protein forms L310fs.
Identifiers: ClinVar variation 3764731 (VCV003764731.2).